The following is an entry in ClinVar:

ClinVar aggregate classification (germline): Uncertain significance. Review status: criteria provided, multiple submitters, no conflicts (2 of 4 stars). 4 submissions from 4 submitters: Uncertain significance (4). Last evaluated 2025-08-03.

Conditions:
Hereditary nonpolyposis colorectal neoplasms. Identifiers: MedGen C0009405, MeSH D003123.
Hereditary cancer-predisposing syndrome. Also called: Neoplastic Syndromes, Hereditary; Tumor predisposition; Hereditary neoplastic syndrome; Hereditary Cancer Syndrome. Identifiers: Orphanet 140162, MedGen C0027672, MeSH D009386, MONDO:0015356.
Lynch syndrome. Identifiers: Orphanet 144, MedGen C4552100, MONDO:0005835. Disease mechanism: loss of function.

Allele frequency attached by ClinVar (database versions not stated): TOPMed 0.00001.

Submissions (4):

Labcorp Genetics (formerly Invitae), Labcorp
Classification: Uncertain significance for Hereditary nonpolyposis colorectal neoplasms. Last evaluated: 2025-08-03. Review status: criteria provided, single submitter. Criteria: Invitae Variant Classification Sherloc (09022015). Collection method: clinical testing. Allele origin: germline.
Comment: This sequence change replaces serine, which is neutral and polar, with proline, which is neutral and non-polar, at codon 1185 of the MSH6 protein (p.Ser1185Pro). This variant is not present in population databases (gnomAD no frequency). This variant has not been reported in the literature in individuals affected with MSH6-related conditions. ClinVar contains an entry for this variant (Variation ID: 838498). Invitae Evidence Modeling of protein sequence and biophysical properties (such as structural, functional, and spatial information, amino acid conservation, physicochemical variation, residue mobility, and thermodynamic stability) indicates that this missense variant is not expected to disrupt MSH6 protein function with a negative predictive value of 95%. In summary, the available evidence is currently insufficient to determine the role of this variant in disease. Therefore, it has been classified as a Variant of Uncertain Significance.

Ambry Genetics
Classification: Uncertain significance for Hereditary cancer-predisposing syndrome. Last evaluated: 2025-07-05. Review status: criteria provided, single submitter. Criteria: Ambry Variant Classification Scheme 2023. Collection method: clinical testing. Allele origin: germline.
Comment: The p.S1185P variant (also known as c.3553T>C), located in coding exon 6 of the MSH6 gene, results from a T to C substitution at nucleotide position 3553. The serine at codon 1185 is replaced by proline, an amino acid with similar properties. This amino acid position is well conserved in available vertebrate species. In addition, this alteration is predicted to be deleterious by in silico analysis. Since supporting evidence is limited at this time, the clinical significance of this alteration remains unclear.

All of Us Research Program, National Institutes of Health
Classification: Uncertain significance for Lynch syndrome. Last evaluated: 2023-11-30. Review status: criteria provided, single submitter. Criteria: ACMG Guidelines, 2015. Collection method: clinical testing. Allele origin: germline. Inheritance: Autosomal dominant inheritance. Observed: 1 variant allele, 1 heterozygote.
Comment: This study involves interpretation of variants in research participants for the purpose of population health screening. Participant phenotype was not available at the time of variant classification. Additional details can be found in publication PMID: 35346344, PMCID: PMC8962531

Quest Diagnostics Nichols Institute San Juan Capistrano
Classification: Uncertain significance. Last evaluated: 2023-11-21. Review status: criteria provided, single submitter. Criteria: Quest Diagnostics criteria. Collection method: clinical testing. Allele origin: unknown.
Comment: The MSH6 c.3553T>C (p.Ser1185Pro) variant has not been reported in individuals with MSH6-related conditions in the published literature. It also has not been reported in large, multi-ethnic general populations (Genome Aggregation Database). Analysis of this variant using bioinformatics tools for the prediction of the effect of amino acid changes on protein structure and function yielded conflicting predictions that this variant is deleterious or benign. Based on the available information, we are unable to determine the clinical significance of this variant.

NM_000179.3(MSH6):c.3553T>C (p.Ser1185Pro)

Gene: MSH6 (mutS homolog 6; plus strand). Cytogenetic location: 2p16.3.
Variant type: single nucleotide variant.
Coding change: c.3553T>C on transcript NM_000179.3 (MANE Select); coding-DNA position 3553, T replaced by C.
Protein change: p.Ser1185Pro; replaces serine 1185 with proline.
Molecular consequence: missense variant.
Genome position (GRCh38, 1-based): chr2:47,805,024, T>C. VCF-style: chr2-47805024-T-C. GRCh37 (hg19) VCF-style: chr2-48032163-T-C.
Other names: c.3163T>C, p.Ser1055Pro (NM_001281492.2); c.2647T>C, p.Ser883Pro (NM_001281493.2, NM_001281494.2); short protein forms S1185P, S1055P, S883P.
Identifiers: ClinVar variation 838498 (VCV000838498.15), dbSNP rs786202777, ClinGen allele CA346760274.
Genomic context (GRCh38, chr2:47,805,024, plus strand): 5'-TGCAGGCTCACACCAATTGATAGAGTGTTTACTAGACTTGGTGCCTCAGACAGAATAATG[T>C]CAGGTGAGTTTTTTGTTTCCCACTTAAGTTCTCATTCAGTCATTTAGATGTGATAAAAGA-3'
Protein context (NP_000170.1, residues 1175-1195): TRLGASDRIM[Ser1185Pro]GESTFFVELS